The following is an entry in ClinVar:

ClinVar aggregate classification (germline): Uncertain significance. Review status: criteria provided, multiple submitters, no conflicts (2 of 4 stars). 2 submissions from 2 submitters: Uncertain significance (2). Last evaluated 2022-08-02.

Conditions:
Fetal akinesia deformation sequence 1 (FADS1). Also called: Fetal akinesia sequence; Pena-Shokeir syndrome type I. Identifiers: Orphanet 994, MedGen C1276035, MONDO:0100101, OMIM 208150, HP:0001989.
Congenital myasthenic syndrome 9. Also called: Myasthenic syndrome, congenital, 9, associated with acetylcholine receptor deficiency. Identifiers: Orphanet 590, MedGen C4225368, MONDO:0014587, OMIM 616325.
Inborn genetic diseases. Identifiers: MedGen C0950123, MeSH D030342.

Allele frequency attached by ClinVar (database versions not stated): gnomAD exomes 0.00001 and 0.00004; ExAC 0.00006; ESP Exome Variant Server 0.00008; gnomAD 0.00011 and 0.00014; TOPMed 0.00013.
gnomAD v4.1: 29 of 1,613,140 alleles (0.0018%); highest among the groups gnomAD compares: African/African-American, 0.037%; no homozygotes.

Submissions (2):

Ambry Genetics
Classification: Uncertain significance for Inborn genetic diseases. Last evaluated: 2022-08-02. Review status: criteria provided, single submitter. Criteria: Ambry Variant Classification Scheme 2023. Collection method: clinical testing. Allele origin: germline.

Labcorp Genetics (formerly Invitae), Labcorp
Classification: Uncertain significance for Congenital myasthenic syndrome 9; Fetal akinesia deformation sequence 1. Last evaluated: 2022-06-28. Review status: criteria provided, single submitter. Criteria: Invitae Variant Classification Sherloc (09022015). Collection method: clinical testing. Allele origin: germline.
Comment: This sequence change replaces serine, which is neutral and polar, with tyrosine, which is neutral and polar, at codon 227 of the MUSK protein (p.Ser227Tyr). This variant is present in population databases (rs374657556, gnomAD 0.05%). This variant has not been reported in the literature in individuals affected with MUSK-related conditions. ClinVar contains an entry for this variant (Variation ID: 660328). Algorithms developed to predict the effect of missense changes on protein structure and function (SIFT, PolyPhen-2, Align-GVGD) all suggest that this variant is likely to be disruptive. In summary, the available evidence is currently insufficient to determine the role of this variant in disease. Therefore, it has been classified as a Variant of Uncertain Significance.

NM_005592.4(MUSK):c.680C>A (p.Ser227Tyr)

Gene: MUSK (muscle associated receptor tyrosine kinase; plus strand). Cytogenetic location: 9q31.3.
Variant type: single nucleotide variant.
Coding change: c.680C>A on transcript NM_005592.4 (MANE Select); coding-DNA position 680, C replaced by A.
Protein change: p.Ser227Tyr; replaces serine 227 with tyrosine.
Molecular consequence: missense variant. On other transcripts: 5 prime UTR variant (1).
Genome position (GRCh38, 1-based): chr9:110,734,302, C>A. VCF-style: chr9-110734302-C-A. GRCh37 (hg19) VCF-style: chr9-113496582-C-A.
Other names: c.710C>A, p.Ser237Tyr (NM_001166280.2); c.680C>A, p.Ser227Tyr (NM_001166281.2); c.-557C>A (NM_001369398.1); short protein forms S237Y, S227Y.
Identifiers: ClinVar variation 660328 (VCV000660328.7), dbSNP rs374657556, ClinGen allele CA5184154.
Genomic context (GRCh38, chr9:110,734,302, plus strand): 5'-TCCTAACAGTTTTTGCCAGGATCCTGCGGGCTCCTGAATCCCACAATGTCACCTTTGGCT[C>A]CTTTGTGACCCTGCACTGTACAGCAACAGGCATTCCTGTCCCCACCATCACCTGGATTGA-3'
Protein context (NP_005583.1, residues 217-237): APESHNVTFG[Ser227Tyr]FVTLHCTATG